The following is an entry in ClinVar:

NM_024426.6(WT1):c.247G>A (p.Ala83Thr)

Genes: WT1 (WT1 transcription factor; minus strand), LOC107982234 (WT1/WT1-AS bi-directional promoter region; plus strand). Cytogenetic location: 11p13.
Variant type: single nucleotide variant.
Coding change: c.247G>A on transcript NM_024426.6 (MANE Select); coding-DNA position 247, G replaced by A.
Protein change: p.Ala83Thr; replaces alanine 83 with threonine.
Molecular consequence: missense variant. On other transcripts: non-coding transcript variant (1).
Genome position (GRCh38, 1-based): chr11:32,435,114, C>T on the plus strand (G>A on the coding strand, the complement: WT1 is on the minus strand). VCF-style: chr11-32435114-C-T. GRCh37 (hg19) VCF-style: chr11-32456660-C-T.
Other names: c.232G>A (NM_024426.4); c.247G>A, p.Ala83Thr (NM_000378.6, NM_001407044.1, NM_001407045.1 and 6 more transcripts); c.232G>A, p.Ala78Thr (NM_024425.2); short protein forms A78T, A83T.
Identifiers: ClinVar variation 1977984 (VCV001977984.6), dbSNP rs886048231, ClinGen allele CA379966075.

ClinVar aggregate classification (germline): Uncertain significance. Review status: criteria provided, multiple submitters, no conflicts (2 of 4 stars). 2 submissions from 2 submitters: Uncertain significance (2). Last evaluated 2026-07-06.

Conditions:
Inborn genetic diseases. Identifiers: MedGen C0950123, MeSH D030342.
Wilms tumor 1 (WT1). Also called: Wilms tumor, somatic. Identifiers: Orphanet 654, MedGen CN033288, MONDO:0008679, OMIM 194070.
11p partial monosomy syndrome (WAGR). Also called: CHROMOSOME 11p13 DELETION SYNDROME; WAGR syndrome; WAGR Complex; WAGR Spectrum Disorder. Identifiers: Orphanet 893, MedGen C0206115, MONDO:0008681, OMIM 194072.
Drash syndrome (DDS). Also called: NEPHROPATHY, WILMS TUMOR, AND GENITAL ANOMALIES; WILMS TUMOR AND PSEUDO- OR TRUE HERMAPHRODITISM. Identifiers: Orphanet 220, MedGen C0950121, MONDO:0008682, OMIM 194080.
Frasier syndrome. Identifiers: Orphanet 347, MedGen C0950122, MeSH D052159, MONDO:0007635, OMIM 136680.

Submissions (2):

Ambry Genetics
Classification: Uncertain significance for Inborn genetic diseases. Last evaluated: 2026-07-06. Review status: criteria provided, single submitter. Criteria: Ambry Variant Classification Scheme 2023. Collection method: clinical testing. Allele origin: germline.
Comment: The p.A78T variant (also known as c.232G>A), located in coding exon 1 of the WT1 gene, results from a G to A substitution at nucleotide position 232. The alanine at codon 78 is replaced by threonine, an amino acid with similar properties. This amino acid position is conserved. In addition, this alteration is predicted to be tolerated by in silico analysis. Based on the available evidence, the clinical significance of this variant remains unclear.

Labcorp Genetics (formerly Invitae), Labcorp
Classification: Uncertain significance for Wilms tumor 1; Drash syndrome; 11p partial monosomy syndrome; Frasier syndrome. Last evaluated: 2022-02-03. Review status: criteria provided, single submitter. Criteria: Invitae Variant Classification Sherloc (09022015). Collection method: clinical testing. Allele origin: germline.
Comment: In summary, the available evidence is currently insufficient to determine the role of this variant in disease. Therefore, it has been classified as a Variant of Uncertain Significance. Algorithms developed to predict the effect of missense changes on protein structure and function are either unavailable or do not agree on the potential impact of this missense change (SIFT: "Deleterious"; PolyPhen-2: "Benign"; Align-GVGD: "Class C0"). This variant has not been reported in the literature in individuals affected with WT1-related conditions. This variant is not present in population databases (gnomAD no frequency). This sequence change replaces alanine, which is neutral and non-polar, with threonine, which is neutral and polar, at codon 78 of the WT1 protein (p.Ala78Thr).